The following is an entry in ClinVar:

ClinVar aggregate classification (germline): Uncertain significance (1 of 4 stars; one submission).

Submission:

GeneDx
Classification: Uncertain significance. Last evaluated: 2018-06-08. Review status: criteria provided, single submitter. Criteria: GeneDx Variant Classification (06012015). Collection method: clinical testing. Allele origin: germline. Affected: yes.
Comment: The c.397dupC variant in the NEFH gene has not been reported previously as a pathogenic variant nor as a benign variant, to our knowledge. The c.397dupC variant causes a frameshift starting with codon Arginine 133, changes this amino acid to a Proline residue, and creates a premature Stop codon at position 147 of the new reading frame, denoted p.Arg133ProfsX147. This variant is predicted to cause loss of normal protein function either through protein truncation or nonsense-mediated mRNA decay. The c.397dupC variant is not observed in large population cohorts (Lek et al., 2016). We interpret c.397dupC as a variant of uncertain significance.

NM_021076.4(NEFH):c.397dup (p.Arg133fs)

Gene: NEFH (neurofilament heavy chain; plus strand). Cytogenetic location: 22q12.2.
Variant type: Duplication.
Coding change: c.397dup on transcript NM_021076.4 (MANE Select); coding-DNA position 397, one base duplicated (C; older notation c.397dupC).
Protein change: p.Arg133fs; shifts the reading frame from arginine 133.
Molecular consequence: frameshift variant.
Genome position (GRCh38, 1-based): chr22:29,480,659, C duplicated. VCF-style (leftmost placement, unchanged base first): chr22-29480658-G-GC. GRCh37 (hg19) VCF-style: chr22-29876647-G-GC.
Other names: c.397dupC (NM_021076.3); short protein forms R133fs.
Identifiers: ClinVar variation 546256 (VCV000546256.2), dbSNP rs1555949617, ClinGen allele CA658824044.